The following is an entry in ClinVar:

ClinVar aggregate classification (germline): Uncertain significance (1 of 4 stars; one submission).

Submission:

GeneDx
Classification: Uncertain significance. Last evaluated: 2024-01-07. Review status: criteria provided, single submitter. Criteria: GeneDx Variant Classification Process June 2021. Collection method: clinical testing. Allele origin: germline. Affected: yes.
Comment: Has not been previously published as pathogenic or benign to our knowledge; Not observed at significant frequency in large population cohorts (gnomAD); In silico analysis supports that this missense variant has a deleterious effect on protein structure/function; In addition, in silico splice predictors suggest this variant may lead to abnormal gene splicing

NM_000064.4(C3):c.1015G>T (p.Val339Leu)

Gene: C3 (complement C3; minus strand). Cytogenetic location: 19p13.3.
Variant type: single nucleotide variant.
Coding change: c.1015G>T on transcript NM_000064.4 (MANE Select); coding-DNA position 1015, G replaced by T.
Protein change: p.Val339Leu; replaces valine 339 with leucine.
Molecular consequence: missense variant.
Genome position (GRCh38, 1-based): chr19:6,712,612, C>A on the plus strand (G>T on the coding strand, the complement: C3 is on the minus strand). VCF-style: chr19-6712612-C-A. GRCh37 (hg19) VCF-style: chr19-6712623-C-A.
Other names: short protein forms V339L.
Identifiers: ClinVar variation 3370103 (VCV003370103.1).